The following is an entry in ClinVar:

ClinVar aggregate classification (germline): Likely benign (0 of 4 stars; one submission).

Conditions:
PLXNA2-related disorder. Also called: PLXNA2-related condition.

Allele frequency attached by ClinVar (database versions not stated): gnomAD 0.00005; gnomAD exomes 0.00008; 1000 Genomes Project 30x 0.00016; ExAC 0.00017; 1000 Genomes Project 0.00020.
gnomAD v4.1: 121 of 1,607,716 alleles (0.0075%); highest among the groups gnomAD compares: South Asian, 0.13%; 1 homozygote.

Submission:

PreventionGenetics, part of Exact Sciences
Classification: Likely benign for PLXNA2-related condition. Last evaluated: 2021-09-15. Review status: no assertion criteria provided. Collection method: clinical testing. Allele origin: germline.
Comment: This variant is classified as likely benign based on ACMG/AMP sequence variant interpretation guidelines (Richards et al. 2015 PMID: 25741868, with internal and published modifications).

NM_025179.4(PLXNA2):c.2994-5G>C

Gene: PLXNA2 (plexin A2; minus strand). Cytogenetic location: 1q32.2.
Variant type: single nucleotide variant.
Coding change: c.2994-5G>C on transcript NM_025179.4 (MANE Select); 5 bases into the intron before coding-DNA position 2994, G replaced by C.
Molecular consequence: intron variant.
Genome position (GRCh38, 1-based): chr1:208,051,428, C>G on the plus strand (G>C on the coding strand, the complement: PLXNA2 is on the minus strand). VCF-style: chr1-208051428-C-G. GRCh37 (hg19) VCF-style: chr1-208224773-C-G.
Identifiers: ClinVar variation 3034265 (VCV003034265.2), dbSNP rs551852310, ClinGen allele CA1373312.